The following is an entry in ClinVar:

ClinVar aggregate classification (germline): Likely pathogenic (1 of 4 stars; one submission).

gnomAD v4.1: 10 of 1,611,006 alleles (0.00062%); highest among the groups gnomAD compares: Non-Finnish European, 0.00085%; no homozygotes.

Submission:

Labcorp Genetics (formerly Invitae), Labcorp
Classification: Likely pathogenic. Last evaluated: 2022-08-16. Review status: criteria provided, single submitter. Criteria: Invitae Variant Classification Sherloc (09022015). Collection method: clinical testing. Allele origin: germline.
Comment: In summary, the currently available evidence indicates that the variant is pathogenic, but additional data are needed to prove that conclusively. Therefore, this variant has been classified as Likely Pathogenic. This sequence change affects an acceptor splice site in intron 12 of the COL9A1 gene. It is expected to disrupt RNA splicing. Variants that disrupt the donor or acceptor splice site typically lead to a loss of protein function (PMID: 16199547), and loss-of-function variants in COL9A1 are known to be pathogenic (PMID: 16909383, 21421862). This variant is not present in population databases (gnomAD no frequency). This variant has not been reported in the literature in individuals affected with COL9A1-related conditions. Algorithms developed to predict the effect of sequence changes on RNA splicing suggest that this variant may disrupt the consensus splice site.

Literature cited by the submitters: PubMed 16199547; PubMed 16909383; PubMed 21421862.

NM_001851.6(COL9A1):c.1066-1G>T

Gene: COL9A1 (collagen type IX alpha 1 chain; minus strand). Cytogenetic location: 6q13.
Variant type: single nucleotide variant.
Coding change: c.1066-1G>T on transcript NM_001851.6 (MANE Select); the canonical splice acceptor site of the intron before coding-DNA position 1066, G replaced by T.
Molecular consequence: splice acceptor variant.
Genome position (GRCh38, 1-based): chr6:70,272,089, C>A on the plus strand (G>T on the coding strand, the complement: COL9A1 is on the minus strand). VCF-style: chr6-70272089-C-A. GRCh37 (hg19) VCF-style: chr6-70981792-C-A.
Other names: c.337-1G>T (NM_001377290.1, NM_078485.4, NM_001377289.1).
Identifiers: ClinVar variation 1932353 (VCV001932353.5), dbSNP rs772239348, ClinGen allele CA140880736.